The following is an entry in ClinVar:

NM_001199799.2(ILDR1):c.1526C>T (p.Pro509Leu)

Gene: ILDR1 (immunoglobulin like domain containing receptor 1; minus strand). Cytogenetic location: 3q13.33.
Variant type: single nucleotide variant.
Coding change: c.1526C>T on transcript NM_001199799.2 (MANE Select); coding-DNA position 1526, C replaced by T.
Protein change: p.Pro509Leu; replaces proline 509 with leucine.
Molecular consequence: missense variant.
Genome position (GRCh38, 1-based): chr3:121,993,223, G>A on the plus strand (C>T on the coding strand, the complement: ILDR1 is on the minus strand). VCF-style: chr3-121993223-G-A. GRCh37 (hg19) VCF-style: chr3-121712070-G-A.
Other names: p.Pro509Leu; c.1259C>T, p.Pro420Leu (NM_001199800.2); c.1394C>T, p.Pro465Leu (NM_175924.4); short protein forms P509L, P420L, P465L.
Identifiers: ClinVar variation 452275 (VCV000452275.20), dbSNP rs374884043, ClinGen allele CA2568637.
Genomic context (GRCh38, chr3:121,993,223, plus strand): 5'-ACACTCCCTTTTTTCCTGCTATTCTTGCCTGGAGTGATATCAAGTGAGCGGTAGCTAGGC[G>A]GCTTCTCCTCGGGCCAGTGTGGGGAGTGCGAGCCGCGGCGGTGGGCCCGCCAGCTCTGGG-3'
Protein context (NP_001186728.1, residues 499-519): SHSPHWPEEK[Pro509Leu]PSYRSLDITP

ClinVar aggregate classification (germline): Uncertain significance. Review status: criteria provided, multiple submitters, no conflicts (2 of 4 stars). 7 submissions from 7 submitters: Uncertain significance (7). Last evaluated 2026-03-05.

Conditions:
ILDR1-related disorder. Also called: ILDR1-related condition.
Inborn genetic diseases. Identifiers: MedGen C0950123, MeSH D030342.

Allele frequency attached by ClinVar (database versions not stated): gnomAD exomes 0.00002; ExAC 0.00008; TOPMed 0.00008.
gnomAD v4.1: 70 of 1,614,000 alleles (0.0043%); highest among the groups gnomAD compares: East Asian, 0.02%; no homozygotes.

Submissions (7):

PreventionGenetics, part of Exact Sciences
Classification: Uncertain significance for ILDR1-related condition. Last evaluated: 2026-03-05. Review status: criteria provided, single submitter. Criteria: ACMG Guidelines, 2015. Collection method: clinical testing. Allele origin: germline.
Comment: The ILDR1 c.1526C>T variant is predicted to result in the amino acid substitution p.Pro509Leu. To our knowledge, this variant has not been reported in the literature. This variant is reported in 0.060% of alleles in individuals of East Asian descent in gnomAD. Although we suspect that this variant may be benign, at this time, the clinical significance of this variant is uncertain due to the absence of conclusive functional and genetic evidence.

Labcorp Genetics (formerly Invitae), Labcorp
Classification: Uncertain significance. Last evaluated: 2026-01-19. Review status: criteria provided, single submitter. Criteria: Invitae Variant Classification Sherloc (09022015). Collection method: clinical testing. Allele origin: germline.
Comment: This sequence change replaces proline, which is neutral and non-polar, with leucine, which is neutral and non-polar, at codon 509 of the ILDR1 protein (p.Pro509Leu). This variant is present in population databases (rs374884043, gnomAD 0.06%). This variant has not been reported in the literature in individuals affected with ILDR1-related conditions. ClinVar contains an entry for this variant (Variation ID: 452275). An algorithm developed to predict the effect of missense changes on protein structure and function (PolyPhen-2) suggests that this variant is likely to be disruptive. In summary, the available evidence is currently insufficient to determine the role of this variant in disease. Therefore, it has been classified as a Variant of Uncertain Significance.

GeneDx
Classification: Uncertain significance. Last evaluated: 2025-08-28. Review status: criteria provided, single submitter. Criteria: GeneDx Variant Classification Process June 2021. Collection method: clinical testing. Allele origin: germline. Affected: yes.
Comment: Has been observed multiple times in cis with c.1560 C>A p.(G520=) in patients with hearing loss referred to GeneDx for genetic testing; In silico analysis supports that this missense variant has a deleterious effect on protein structure/function; This variant is associated with the following publications: (PMID: 34515852)

Ambry Genetics
Classification: Uncertain significance for Inborn genetic diseases. Last evaluated: 2025-04-18. Review status: criteria provided, single submitter. Criteria: Ambry Variant Classification Scheme 2023. Collection method: clinical testing. Allele origin: germline.

Blueprint Genetics
Classification: Uncertain significance. Last evaluated: 2024-06-11. Review status: criteria provided, single submitter. Criteria: ACMG Guidelines, 2015. Collection method: clinical testing. Allele origin: germline.

Mayo Clinic Laboratories, Mayo Clinic
Classification: Uncertain significance. Last evaluated: 2024-04-03. Review status: criteria provided, single submitter. Criteria: ACMG Guidelines, 2015. Collection method: clinical testing. Allele origin: germline. Observed: 1 variant allele.
Comment: BS1_supporting

Laboratory for Molecular Medicine, Mass General Brigham Personalized Medicine
Classification: Uncertain significance. Last evaluated: 2020-02-21. Review status: criteria provided, single submitter. Criteria: LMM Criteria. Collection method: clinical testing. Allele origin: germline. Observed: 1 variant allele.
Comment: The p.Pro509Leu variant in ILDR1 has not been previously reported in individuals with hearing loss, but has been identified in 0.06% (12/19922) of East Asian chromosomes by gnomAD. This variant has also been reported in ClinVar (Variation ID 452275). Computational prediction tools and conservation analysis suggest that this variant may impact the protein, though this information is not predictive enough to determine pathogenicity. In summary, the clinical significance of this variant is uncertain. ACMG/AMP Criteria applied: PM2_Supporting, PP3.